The following is an entry in ClinVar:

ClinVar aggregate classification (germline): Uncertain significance (1 of 4 stars; one submission).

Conditions:
Transcobalamin I deficiency (TCN1D). Also called: COBALAMIN PSEUDODEFICIENCY DUE TO TRANSCOBALAMIN DEFICIENCY; COBALAMIN R BINDER PROTEIN DEFICIENCY; TCN1 DEFICIENCY. Identifiers: Orphanet 2967, MedGen C0342700, MONDO:0008659, OMIM 193090.

gnomAD v4.1: 3 of 1,614,034 alleles (0.00019%); highest among the groups gnomAD compares: Admixed American, 0.0017%; no homozygotes.

Submission:

Labcorp Genetics (formerly Invitae), Labcorp
Classification: Uncertain significance for Transcobalamin I deficiency. Last evaluated: 2022-06-05. Review status: criteria provided, single submitter. Criteria: Invitae Variant Classification Sherloc (09022015). Collection method: clinical testing. Allele origin: germline.
Comment: In summary, the available evidence is currently insufficient to determine the role of this variant in disease. Therefore, it has been classified as a Variant of Uncertain Significance. Algorithms developed to predict the effect of missense changes on protein structure and function output the following: SIFT: "Deleterious"; PolyPhen-2: "Benign"; Align-GVGD: "Class C0". The asparagine amino acid residue is found in multiple mammalian species, which suggests that this missense change does not adversely affect protein function. ClinVar contains an entry for this variant (Variation ID: 1406523). This variant has not been reported in the literature in individuals affected with TCN1-related conditions. This variant is not present in population databases (gnomAD no frequency). This sequence change replaces lysine, which is basic and polar, with asparagine, which is neutral and polar, at codon 199 of the TCN1 protein (p.Lys199Asn).

NM_001062.4(TCN1):c.597G>T (p.Lys199Asn)

Gene: TCN1 (transcobalamin 1; minus strand). Cytogenetic location: 11q12.1.
Variant type: single nucleotide variant.
Coding change: c.597G>T on transcript NM_001062.4 (MANE Select); coding-DNA position 597, G replaced by T.
Protein change: p.Lys199Asn; replaces lysine 199 with asparagine.
Molecular consequence: missense variant.
Genome position (GRCh38, 1-based): chr11:59,859,227, C>A on the plus strand (G>T on the coding strand, the complement: TCN1 is on the minus strand). VCF-style: chr11-59859227-C-A. GRCh37 (hg19) VCF-style: chr11-59626700-C-A.
Other names: short protein forms K199N.
Identifiers: ClinVar variation 1406523 (VCV001406523.4), dbSNP rs200450074, ClinGen allele CA380807762.
Genomic context (GRCh38, chr11:59,859,227, plus strand): 5'-AATACTGATGTTCTTTAAACTGCCTTCATCTGCTTTGATCTGCCCATTTATTAGACTCTT[C>A]TTCACACAGGTCAGAGCCAGGACAGCCATTGCACCAGTATCTGTCAGGAAACAAAACATT-3'
Protein context (NP_001053.2, residues 189-209): AMAVLALTCV[Lys199Asn]KSLINGQIKA